The following is an entry in ClinVar:

NM_001451.3(FOXF1):c.48C>T (p.Gly16=)

Gene: FOXF1 (forkhead box F1; plus strand). Cytogenetic location: 16q24.1.
Variant type: single nucleotide variant.
Coding change: c.48C>T on transcript NM_001451.3 (MANE Select); coding-DNA position 48, C replaced by T.
Protein change: p.Gly16=; no amino-acid change (glycine 16 retained).
Molecular consequence: synonymous variant.
Genome position (GRCh38, 1-based): chr16:86,510,617, C>T. VCF-style: chr16-86510617-C-T. GRCh37 (hg19) VCF-style: chr16-86544223-C-T.
Identifiers: ClinVar variation 4823046 (VCV004823046.4).

ClinVar aggregate classification (germline): Likely benign (1 of 4 stars; one submission).

Submission:

CeGaT Center for Human Genetics Tuebingen
Classification: Likely benign. Last evaluated: 2026-01-01. Review status: criteria provided, single submitter. Criteria: CeGaT Center For Human Genetics Tuebingen Variant Classification Criteria Version 2. Collection method: clinical testing. Allele origin: germline. Affected: yes. Observed: 1 variant allele.
Comment: FOXF1: BP4, BP7